The following is an entry in ClinVar:

ClinVar aggregate classification (germline): Conflicting classifications of pathogenicity. Review status: criteria provided, conflicting classifications (1 of 4 stars). 7 submissions from 7 submitters: Uncertain significance (1); Benign (5); Likely benign (1). Last evaluated 2026-02-04.

Conditions:
Microcephalic osteodysplastic primordial dwarfism type II (MOPD2). Also called: MOPD II; OSTEODYSPLASTIC PRIMORDIAL DWARFISM, TYPE II; Microcephalic osteodysplastic primordial dwarfism with tooth abnormalities. Identifiers: Orphanet 2637, MedGen C0432246, MONDO:0008872, OMIM 210720.

Allele frequency attached by ClinVar (database versions not stated): gnomAD 0.00140 and 0.00146; 1000 Genomes Project 0.01737; ESP Exome Variant Server 0.02691; TOPMed 0.03756; gnomAD exomes 0.00138.

Submissions (7):

Labcorp Genetics (formerly Invitae), Labcorp
Classification: Benign. Last evaluated: 2026-02-04. Review status: criteria provided, single submitter. Criteria: Invitae Variant Classification Sherloc (09022015). Collection method: clinical testing. Allele origin: germline.

Blueprint Genetics
Classification: Likely benign. Last evaluated: 2024-11-27. Review status: criteria provided, single submitter. Criteria: ACMG Guidelines, 2015. Collection method: clinical testing. Allele origin: germline.

Illumina Laboratory Services, Illumina
Classification: Uncertain significance for Microcephalic osteodysplastic primordial dwarfism type II. Last evaluated: 2018-01-13. Review status: criteria provided, single submitter. Criteria: ICSL Variant Classification Criteria 13 December 2019. Collection method: clinical testing. Allele origin: germline.

Eurofins Ntd Llc (ga)
Classification: Benign. Last evaluated: 2016-05-19. Review status: criteria provided, single submitter. Criteria: EGL Classification Definitions 2015. Collection method: clinical testing. Allele origin: germline. Observed: 3 variant alleles, 3 heterozygotes.

GeneDx
Classification: Benign. Last evaluated: 2016-04-12. Review status: criteria provided, single submitter. Criteria: GeneDx Variant Classification (06012015). Collection method: clinical testing. Allele origin: germline. Affected: yes.
Comment: This variant is considered likely benign or benign based on one or more of the following criteria: it is a conservative change, it occurs at a poorly conserved position in the protein, it is predicted to be benign by multiple in silico algorithms, and/or has population frequency not consistent with disease.

Genomic Diagnostic Laboratory, Division of Genomic Diagnostics, Children's Hospital of Philadelphia
Classification: Benign. Last evaluated: 2015-03-06. Review status: criteria provided, single submitter. Criteria: DGD Variant Analysis Guidelines. Collection method: clinical testing. Allele origin: unknown.

Genetic Services Laboratory, University of Chicago
Classification: Benign. Last evaluated: 2013-02-08. Review status: criteria provided, single submitter. Criteria: ACMG Guidelines, 2007. Collection method: clinical testing. Allele origin: germline. Inheritance: Autosomal recessive inheritance.

NM_006031.6(PCNT):c.467A>G (p.His156Arg)

Gene: PCNT (pericentrin; plus strand). Cytogenetic location: 21q22.3.
Variant type: single nucleotide variant.
Coding change: c.467A>G on transcript NM_006031.6 (MANE Select); coding-DNA position 467, A replaced by G.
Protein change: p.His156Arg; replaces histidine 156 with arginine.
Molecular consequence: missense variant.
Genome position (GRCh38, 1-based): chr21:46,334,596, A>G. VCF-style: chr21-46334596-A-G. GRCh37 (hg19) VCF-style: chr21-47754510-A-G.
Other names: c.113A>G, p.His38Arg (NM_001315529.2); short protein forms H156R, H38R.
Identifiers: ClinVar variation 159608 (VCV000159608.22), dbSNP rs61735825, ClinGen allele CA248758.